The following is an entry in ClinVar:

ClinVar aggregate classification (germline): Conflicting classifications of pathogenicity. Review status: criteria provided, conflicting classifications (1 of 4 stars). 6 submissions from 6 submitters: Uncertain significance (2); Likely benign (3). 1 of the submissions does not count toward it. Last evaluated 2026-02-01.

Conditions:
TPP1-related disorder. Also called: TPP1-related condition.
Inborn genetic diseases. Identifiers: MedGen C0950123, MeSH D030342.

Allele frequency attached by ClinVar (database versions not stated): gnomAD 0.00005 and 0.00006; gnomAD exomes 0.00006 and 0.00007; TOPMed 0.00006; ExAC 0.00008; ESP Exome Variant Server 0.00023.
gnomAD v4.1: 100 of 1,613,948 alleles (0.0062%); highest among the groups gnomAD compares: Admixed American, 0.0083%; no homozygotes.

Submissions (6):

CeGaT Center for Human Genetics Tuebingen
Classification: Uncertain significance. Last evaluated: 2026-02-01. Review status: criteria provided, single submitter. Criteria: CeGaT Center For Human Genetics Tuebingen Variant Classification Criteria Version 2. Collection method: clinical testing. Allele origin: germline. Affected: yes. Observed: 1 variant allele.
Comment: TPP1: PM2, BP4

Labcorp Genetics (formerly Invitae), Labcorp
Classification: Likely benign. Last evaluated: 2026-01-11. Review status: criteria provided, single submitter. Criteria: Invitae Variant Classification Sherloc (09022015). Collection method: clinical testing. Allele origin: germline.

Blueprint Genetics
Classification: Likely benign. Last evaluated: 2024-10-15. Review status: criteria provided, single submitter. Criteria: ACMG Guidelines, 2015. Collection method: clinical testing. Allele origin: germline.

Ambry Genetics
Classification: Uncertain significance for Inborn genetic diseases. Last evaluated: 2021-05-21. Review status: criteria provided, single submitter. Criteria: Ambry Variant Classification Scheme 2023. Collection method: clinical testing. Allele origin: germline.
Comment: The c.509-5T>C intronic alteration consists of a T to C substitution 5 nucleotides before coding exon 6 in the TPP1 gene. Based on insufficient or conflicting evidence, the clinical significance of this alteration remains unclear.

GeneDx
Classification: Likely benign. Last evaluated: 2019-02-15. Review status: criteria provided, single submitter. Criteria: GeneDx Variant Classification Process June 2021. Collection method: clinical testing. Allele origin: germline. Affected: yes.

PreventionGenetics, part of Exact Sciences
Classification: Likely benign for TPP1-related condition. Last evaluated: 2022-11-17. Review status: no assertion criteria provided. Collection method: clinical testing. Allele origin: germline. Not counted in ClinVar's aggregate classification.
Comment: This variant is classified as likely benign based on ACMG/AMP sequence variant interpretation guidelines (Richards et al. 2015 PMID: 25741868, with internal and published modifications).

NM_000391.4(TPP1):c.509-5T>C

Gene: TPP1 (tripeptidyl peptidase 1; minus strand). Cytogenetic location: 11p15.4.
Variant type: single nucleotide variant.
Coding change: c.509-5T>C on transcript NM_000391.4 (MANE Select); 5 bases into the intron before coding-DNA position 509, T replaced by C.
Molecular consequence: intron variant.
Genome position (GRCh38, 1-based): chr11:6,617,158, A>G on the plus strand (T>C on the coding strand, the complement: TPP1 is on the minus strand). VCF-style: chr11-6617158-A-G. GRCh37 (hg19) VCF-style: chr11-6638389-A-G.
Identifiers: ClinVar variation 378758 (VCV000378758.22), dbSNP rs375548657, ClinGen allele CA5858907.